The following is an entry in ClinVar:

NM_004539.4(NARS1):c.82A>G (p.Thr28Ala)

Gene: NARS1 (asparaginyl-tRNA synthetase 1; minus strand). Cytogenetic location: 18q21.31.
Variant type: single nucleotide variant.
Coding change: c.82A>G on transcript NM_004539.4 (MANE Select); coding-DNA position 82, A replaced by G.
Protein change: p.Thr28Ala; replaces threonine 28 with alanine.
Molecular consequence: missense variant.
Genome position (GRCh38, 1-based): chr18:57,620,580, T>C on the plus strand (A>G on the coding strand, the complement: NARS1 is on the minus strand). VCF-style: chr18-57620580-T-C. GRCh37 (hg19) VCF-style: chr18-55287812-T-C.
Other names: short protein forms T28A.
Identifiers: ClinVar variation 3364104 (VCV003364104.1).

ClinVar aggregate classification (germline): Uncertain significance (1 of 4 stars; one submission).

Submission:

GeneDx
Classification: Uncertain significance. Last evaluated: 2023-11-08. Review status: criteria provided, single submitter. Criteria: GeneDx Variant Classification Process June 2021. Collection method: clinical testing. Allele origin: germline. Affected: yes.
Comment: Not observed at significant frequency in large population cohorts (gnomAD); In silico analysis supports that this missense variant has a deleterious effect on protein structure/function; Has not been previously published as pathogenic or benign to our knowledge